The following is an entry in ClinVar:

ClinVar aggregate classification (germline): Pathogenic (1 of 4 stars; one submission).

Conditions:
LAMA2-related muscular dystrophy (LAMA2-RD). Also called: Laminin alpha 2-related dystrophy. Identifiers: MedGen C5679788, MONDO:0100228.

Submission:

Labcorp Genetics (formerly Invitae), Labcorp
Classification: Pathogenic for LAMA2-related muscular dystrophy. Last evaluated: 2022-03-22. Review status: criteria provided, single submitter. Criteria: Invitae Variant Classification Sherloc (09022015). Collection method: clinical testing. Allele origin: germline.
Comment: For these reasons, this variant has been classified as Pathogenic. This variant has not been reported in the literature in individuals affected with LAMA2-related conditions. This variant is not present in population databases (gnomAD no frequency). This sequence change creates a premature translational stop signal (p.Gln1404*) in the LAMA2 gene. It is expected to result in an absent or disrupted protein product. Loss-of-function variants in LAMA2 are known to be pathogenic (PMID: 18700894, 32904964).

Literature cited by the submitters: PubMed 18700894; PubMed 32904964.

NM_000426.4(LAMA2):c.4210C>T (p.Gln1404Ter)

Gene: LAMA2 (laminin subunit alpha 2; plus strand). Cytogenetic location: 6q22.33.
Variant type: single nucleotide variant.
Coding change: c.4210C>T on transcript NM_000426.4 (MANE Select); coding-DNA position 4210, C replaced by T.
Protein change: p.Gln1404Ter; replaces glutamine 1404 with a stop codon.
Molecular consequence: nonsense.
Genome position (GRCh38, 1-based): chr6:129,328,311, C>T. VCF-style: chr6-129328311-C-T. GRCh37 (hg19) VCF-style: chr6-129649456-C-T.
Other names: c.4210C>T, p.Gln1404Ter (NM_001079823.2); short protein forms Q1404*.
Identifiers: ClinVar variation 1453815 (VCV001453815.6), dbSNP rs2114532848, ClinGen allele CA365614197.